The following is an entry in ClinVar:

NM_004369.4(COL6A3):c.3298C>G (p.Leu1100Val)

Gene: COL6A3 (collagen type VI alpha 3 chain; minus strand). Cytogenetic location: 2q37.3.
Variant type: single nucleotide variant.
Coding change: c.3298C>G on transcript NM_004369.4 (MANE Select); coding-DNA position 3298, C replaced by G.
Protein change: p.Leu1100Val; replaces leucine 1100 with valine.
Molecular consequence: missense variant.
Genome position (GRCh38, 1-based): chr2:237,374,793, G>C on the plus strand (C>G on the coding strand, the complement: COL6A3 is on the minus strand). VCF-style: chr2-237374793-G-C. GRCh37 (hg19) VCF-style: chr2-238283436-G-C.
Other names: c.2077C>G, p.Leu693Val (NM_057164.5); c.2680C>G, p.Leu894Val (NM_057165.5, NM_057167.4); c.1477C>G, p.Leu493Val (NM_057166.5); short protein forms L1100V, L693V, L894V, L493V.
Identifiers: ClinVar variation 2885661 (VCV002885661.3), dbSNP rs748924344, ClinGen allele CA351203860.

ClinVar aggregate classification (germline): Uncertain significance (1 of 4 stars; one submission).

Conditions:
Bethlem myopathy 1A. Also called: Bethlem myopathy 1; MYOPATHY, BENIGN CONGENITAL, WITH CONTRACTURES; Bethlem Muscular Dystrophy. Identifiers: Orphanet 610, MedGen CN029274, MONDO:0024530, OMIM 158810.

gnomAD v4.1: 10 of 1,614,092 alleles (0.00062%); highest among the groups gnomAD compares: Non-Finnish European, 0.00085%; no homozygotes.

Submission:

Labcorp Genetics (formerly Invitae), Labcorp
Classification: Uncertain significance for Bethlem myopathy 1A. Last evaluated: 2023-11-22. Review status: criteria provided, single submitter. Criteria: Invitae Variant Classification Sherloc (09022015). Collection method: clinical testing. Allele origin: germline.
Comment: This sequence change replaces leucine, which is neutral and non-polar, with valine, which is neutral and non-polar, at codon 1100 of the COL6A3 protein (p.Leu1100Val). This variant is not present in population databases (gnomAD no frequency). This variant has not been reported in the literature in individuals affected with COL6A3-related conditions. Advanced modeling of protein sequence and biophysical properties (such as structural, functional, and spatial information, amino acid conservation, physicochemical variation, residue mobility, and thermodynamic stability) performed at Invitae indicates that this missense variant is not expected to disrupt COL6A3 protein function with a negative predictive value of 80%. In summary, the available evidence is currently insufficient to determine the role of this variant in disease. Therefore, it has been classified as a Variant of Uncertain Significance.